The following is an entry in ClinVar:

NM_032892.5(FRMD5):c.1486_1487del (p.Lys496fs)

Gene: FRMD5 (FERM domain containing 5; minus strand). Cytogenetic location: 15q15.3.
Variant type: Deletion.
Coding change: c.1486_1487del on transcript NM_032892.5 (MANE Select); coding-DNA positions 1486 to 1487, 2 bases deleted (AA; older notation c.1486_1487delAA).
Protein change: p.Lys496fs; shifts the reading frame from lysine 496.
Molecular consequence: frameshift variant. On other transcripts: non-coding transcript variant (1), intron variant (5).
Genome position (GRCh38, 1-based): chr15:43,874,111-43,874,112, TT deleted on the plus strand (AA on the coding strand, the reverse complement: FRMD5 is on the minus strand). VCF-style (leftmost placement, unchanged base first): chr15-43874110-CTT-C. GRCh37 (hg19) VCF-style: chr15-44166308-CTT-C.
Other names: c.784_785del, p.Lys262fs (NM_001286491.2); c.1374+7_1374+8del (NM_001322951.2); c.1479+7_1479+8del (NM_001322949.2, NM_001411124.1, NM_001322950.2); c.1197+7_1197+8del (NM_001286490.2); short protein forms K262fs, K496fs.
Identifiers: ClinVar variation 3384513 (VCV003384513.1).

ClinVar aggregate classification (germline): Uncertain significance (1 of 4 stars; one submission).

Submission:

GeneDx
Classification: Uncertain significance. Last evaluated: 2024-06-03. Review status: criteria provided, single submitter. Criteria: GeneDx Variant Classification Process June 2021. Collection method: clinical testing. Allele origin: germline. Affected: yes.
Comment: Not observed at significant frequency in large population cohorts (gnomAD); Has not been previously published as pathogenic or benign to our knowledge; Frameshift variant predicted to result in abnormal protein length as the last 75 amino acids are replaced with 29 different amino acids in a gene for which loss-of-function is not an established mechanism of disease